The following is an entry in ClinVar:

ClinVar aggregate classification (germline): Benign/Likely benign. Review status: criteria provided, multiple submitters, no conflicts (2 of 4 stars). 5 submissions from 5 submitters: Benign (1); Likely benign (4). Last evaluated 2025-08-03.

Conditions:
Familial adenomatous polyposis 1 (FAP1). Also called: FAMILIAL ADENOMATOUS POLYPOSIS 1, ATTENUATED; POLYPOSIS, ADENOMATOUS INTESTINAL. Identifiers: MedGen C2713442, MONDO:0021056, OMIM 175100. Disease mechanism: loss of function.
Hereditary cancer-predisposing syndrome. Also called: Tumor predisposition; Hereditary Cancer Syndrome; Hereditary neoplastic syndrome; Neoplastic Syndromes, Hereditary. Identifiers: Orphanet 140162, MedGen C0027672, MeSH D009386, MONDO:0015356.

Allele frequency attached by ClinVar (database versions not stated): gnomAD exomes below 0.00001.
gnomAD v4.1: 2 of 1,614,048 alleles (0.00012%); highest among the groups gnomAD compares: Middle Eastern, 0.016%; no homozygotes.

Submissions (5):

Labcorp Genetics (formerly Invitae), Labcorp
Classification: Likely benign for Familial adenomatous polyposis 1. Last evaluated: 2025-08-03. Review status: criteria provided, single submitter. Criteria: Invitae Variant Classification Sherloc (09022015). Collection method: clinical testing. Allele origin: germline.

Ambry Genetics
Classification: Likely benign for Hereditary cancer-predisposing syndrome. Last evaluated: 2024-08-19. Review status: criteria provided, single submitter. Criteria: Ambry Variant Classification Scheme 2023. Collection method: clinical testing. Allele origin: germline.

Myriad Genetics, Inc.
Classification: Benign for Familial adenomatous polyposis 1. Last evaluated: 2024-04-12. Review status: criteria provided, single submitter. Criteria: Myriad Autosomal Dominant, Autosomal Recessive and X-Linked Classification Criteria (2023). Collection method: clinical testing. Allele origin: unknown.
Comment: This variant is considered benign. This variant is a silent/synonymous amino acid change and it is not expected to impact splicing.

Quest Diagnostics Nichols Institute San Juan Capistrano
Classification: Likely benign. Last evaluated: 2020-05-04. Review status: criteria provided, single submitter. Criteria: Quest Diagnostics criteria. Collection method: clinical testing. Allele origin: unknown.

GeneDx
Classification: Likely benign. Last evaluated: 2018-04-09. Review status: criteria provided, single submitter. Criteria: GeneDx Variant Classification (06012015). Collection method: clinical testing. Allele origin: germline. Affected: yes.
Comment: This variant is considered likely benign or benign based on one or more of the following criteria: it is a conservative change, it occurs at a poorly conserved position in the protein, it is predicted to be benign by multiple in silico algorithms, and/or has population frequency not consistent with disease.

NM_000038.6(APC):c.8148G>C (p.Val2716=)

Gene: APC (APC regulator of Wnt signaling pathway; plus strand). Cytogenetic location: 5q22.2.
Variant type: single nucleotide variant.
Coding change: c.8148G>C on transcript NM_000038.6 (MANE Select); coding-DNA position 8148, G replaced by C.
Protein change: p.Val2716=; no amino-acid change (valine 2716 retained).
Molecular consequence: synonymous variant.
Genome position (GRCh38, 1-based): chr5:112,843,742, G>C. VCF-style: chr5-112843742-G-C. GRCh37 (hg19) VCF-style: chr5-112179439-G-C.
Other names: c.8148G>C, p.Val2716= (NM_001127510.3, NM_001354895.2); c.8094G>C, p.Val2698= (NM_001127511.3); c.8202G>C, p.Val2734= (NM_001354896.2); c.8178G>C, p.Val2726= (NM_001354897.2); c.8073G>C, p.Val2691= (NM_001354898.2); c.8064G>C, p.Val2688= (NM_001354899.2); c.8025G>C, p.Val2675= (NM_001354900.2); c.7971G>C, p.Val2657= (NM_001354901.2); and 5 more.
Identifiers: ClinVar variation 537577 (VCV000537577.14), dbSNP rs1158207177, ClinGen allele CA446211220.